The following is an entry in ClinVar:

ClinVar aggregate classification (germline): Likely benign (1 of 4 stars; one submission).

Allele frequency attached by ClinVar (database versions not stated): gnomAD 0.00001; gnomAD exomes below 0.00001.
gnomAD v4.1: 2 of 1,551,480 alleles (0.00013%); highest among the groups gnomAD compares: African/African-American, 0.0027%; no homozygotes.

Submission:

GeneDx
Classification: Likely benign. Last evaluated: 2018-04-10. Review status: criteria provided, single submitter. Criteria: GeneDx Variant Classification (06012015). Collection method: clinical testing. Allele origin: germline. Affected: yes.
Comment: This variant is considered likely benign or benign based on one or more of the following criteria: it is a conservative change, it occurs at a poorly conserved position in the protein, it is predicted to be benign by multiple in silico algorithms, and/or has population frequency not consistent with disease.

NM_001145308.5(LRTOMT):c.462C>T (p.Pro154=)

Genes: ANAPC15 (anaphase promoting complex subunit 15; minus strand), LRTOMT (leucine rich transmembrane and O-methyltransferase domain containing; plus strand), TOMT (transmembrane O-methyltransferase; plus strand). Cytogenetic location: 11q13.4.
Variant type: single nucleotide variant.
Coding change: c.462C>T on transcript NM_001145308.5; coding-DNA position 462, C replaced by T.
Protein change: p.Pro154=; no amino-acid change (proline 154 retained).
Molecular consequence: synonymous variant. On other transcripts: 3 prime UTR variant (3), non-coding transcript variant (1), intron variant (7).
Genome position (GRCh38, 1-based): chr11:72,108,026, C>T. VCF-style: chr11-72108026-C-T. GRCh37 (hg19) VCF-style: chr11-71819072-C-T.
Other names: c.363C>T, p.Pro121= (NM_001393500.2); c.462C>T, p.Pro154= (NM_001145309.4); c.342C>T, p.Pro114= (NM_001145310.4); c.*793G>A (NM_001393443.1, NM_001393444.1, NM_001393445.1); c.64-421G>A (NM_001393459.1); c.319-421G>A (NM_001393430.1, NM_001393429.1, NM_001393428.1 and 3 more transcripts).
Identifiers: ClinVar variation 681161 (VCV000681161.3), dbSNP rs1591192144, ClinGen allele CA381721722.